The following is an entry in ClinVar:

ClinVar aggregate classification (germline): Uncertain significance. Review status: criteria provided, multiple submitters, no conflicts (2 of 4 stars). 2 submissions from 2 submitters: Uncertain significance (2). Last evaluated 2025-10-28.

Conditions:
Neurofibromatosis, type 2 (SWNV). Also called: NF2-Related Schwannomatosis; SCHWANNOMATOSIS, VESTIBULAR; BILATERAL ACOUSTIC NEUROFIBROMATOSIS. Identifiers: Orphanet 637, MedGen C0027832, MONDO:0007039, OMIM 101000. Disease mechanism: loss of function.
Hereditary cancer-predisposing syndrome. Also called: Tumor predisposition; Neoplastic Syndromes, Hereditary; Hereditary Cancer Syndrome; Hereditary neoplastic syndrome. Identifiers: Orphanet 140162, MedGen C0027672, MeSH D009386, MONDO:0015356.

Allele frequency attached by ClinVar (database versions not stated): gnomAD exomes below 0.00001.
gnomAD v4.1: 8 of 1,614,114 alleles (0.0005%); highest among the groups gnomAD compares: Non-Finnish European, 0.00059%; no homozygotes.

Submissions (2):

Labcorp Genetics (formerly Invitae), Labcorp
Classification: Uncertain significance for Neurofibromatosis, type 2. Last evaluated: 2025-10-28. Review status: criteria provided, single submitter. Criteria: Invitae Variant Classification Sherloc (09022015). Collection method: clinical testing. Allele origin: germline.
Comment: This sequence change replaces arginine, which is basic and polar, with glutamine, which is neutral and polar, at codon 52 of the NF2 protein (p.Arg52Gln). This variant is not present in population databases (gnomAD no frequency). This missense change has been observed in individual(s) with neurofibromatosis type 2 (PMID: 25931164). ClinVar contains an entry for this variant (Variation ID: 1775227). Invitae Evidence Modeling of protein sequence and biophysical properties (such as structural, functional, and spatial information, amino acid conservation, physicochemical variation, residue mobility, and thermodynamic stability) has been performed for this missense variant. However, the output from this modeling did not meet the statistical confidence thresholds required to predict the impact of this variant on NF2 protein function. In summary, the available evidence is currently insufficient to determine the role of this variant in disease. Therefore, it has been classified as a Variant of Uncertain Significance.

Ambry Genetics
Classification: Uncertain significance for Hereditary cancer-predisposing syndrome. Last evaluated: 2024-02-12. Review status: criteria provided, single submitter. Criteria: Ambry Variant Classification Scheme 2023. Collection method: clinical testing. Allele origin: germline.
Comment: The p.R52Q variant (also known as c.155G>A), located in coding exon 2 of the NF2 gene, results from a G to A substitution at nucleotide position 155. The arginine at codon 52 is replaced by glutamine, an amino acid with highly similar properties. This amino acid position is highly conserved in available vertebrate species. In addition, this alteration is predicted to be tolerated by in silico analysis. Based on the available evidence, the clinical significance of this alteration remains unclear.

Literature cited by the submitters: PubMed 25931164 (cited by Labcorp Genetics (formerly Invitae), Labcorp and Ambry Genetics).

NM_000268.4(NF2):c.155G>A (p.Arg52Gln)

Gene: NF2 (NF2, moesin-ezrin-radixin like (MERLIN) tumor suppressor; plus strand). Cytogenetic location: 22q12.2.
Variant type: single nucleotide variant.
Coding change: c.155G>A on transcript NM_000268.4 (MANE Select); coding-DNA position 155, G replaced by A.
Protein change: p.Arg52Gln; replaces arginine 52 with glutamine.
Molecular consequence: missense variant. On other transcripts: non-coding transcript variant (1), intron variant (3).
Genome position (GRCh38, 1-based): chr22:29,636,791, G>A. VCF-style: chr22-29636791-G-A. GRCh37 (hg19) VCF-style: chr22-30032780-G-A.
Other names: c.41G>A, p.Arg14Gln (NM_001407053.1, NM_001407056.1); c.155G>A, p.Arg52Gln (NM_001407054.1, NM_001407057.1, NM_001407058.1 and 9 more transcripts); c.-486G>A (NM_001407065.1); c.-102G>A (NM_001407067.1); c.115-2299G>A (NM_181828.3); c.115-5411G>A (NM_181830.3, NM_181831.3); short protein forms R14Q, R52Q.
Identifiers: ClinVar variation 1775227 (VCV001775227.7), dbSNP rs1185209056, ClinGen allele CA411152501.